The following is an entry in ClinVar:

ClinVar aggregate classification (germline): Likely pathogenic (1 of 4 stars; one submission).

Conditions:
Pontocerebellar hypoplasia, type 14. Identifiers: Orphanet 613274, MedGen C5543322, MONDO:0030258, OMIM 619301.

Submission:

Unidad de Genómica Garrahan, Hospital de Pediatría Garrahan
Classification: Likely pathogenic for Pontocerebellar hypoplasia, type 14. Last evaluated: 2025-08-05. Review status: criteria provided, single submitter. Criteria: ACMG Guidelines, 2015. Collection method: clinical testing. Allele origin: germline. Affected: yes.
Comment: This variant is not present in gnomAD population databases (PM2_sup). Null variant in a gene where loss-of-function is a known mechanism of disease (PVS1_vs).

NM_016059.5(PPIL1):c.41_42delinsG (p.Val14fs)

Genes: C6orf89 (chromosome 6 open reading frame 89; plus strand), PPIL1 (peptidylprolyl isomerase like 1; minus strand). Cytogenetic location: 6p21.2.
Variant type: Indel.
Coding change: c.41_42delinsG on transcript NM_016059.5 (MANE Select); coding-DNA positions 41 to 42, TT replaced by G.
Protein change: p.Val14fs; shifts the reading frame from valine 14.
Molecular consequence: frameshift variant. On other transcripts: intron variant (1).
Genome position (GRCh38, 1-based): chr6:36,874,731-36,874,732, AA replaced by C on the plus strand (TT replaced by G on the coding strand, the reverse complement: PPIL1 is on the minus strand). VCF-style: chr6-36874731-AA-C. GRCh37 (hg19) VCF-style: chr6-36842507-AA-C.
Other names: c.-569+2764_-569+2765delinsC (NM_001286636.2); short protein forms V14fs.
Identifiers: ClinVar variation 4073533 (VCV004073533.1).